The following is an entry in ClinVar:

ClinVar aggregate classification (germline): VUS-high (1 of 4 stars; one submission).

Conditions:
Corpus callosum, agenesis of. Also called: Isolated corpus callosum agenesis; Corpus callosum agenesis; Mental retardation hypoplastic corpus callosum preauricular tag; Da silva syndrome; Agenesis of the corpus callosum. Identifiers: Orphanet 200, MedGen C0175754, MONDO:0009022, OMIM 217990, HP:0001274.

gnomAD v4.1: 13 of 1,614,202 alleles (0.00081%); highest among the groups gnomAD compares: Middle Eastern, 0.033%; no homozygotes.

Submission:

Laboratory of Cytogenetics, Molecular Genetics and Reproductive Biology, Farhat Hached University Hospital
Classification: VUS-high for corpus callosum agenesis. Last evaluated: 2025-12-12. Review status: criteria provided, single submitter. Criteria: ACMG Guidelines, 2015. Collection method: clinical testing. Allele origin: germline. Affected: yes.
Comment: NM_015289.5(VPS39):c.1648G>T identified in two affected siblings with corpus callosum hypoplasia, unilateral subcortical atrophy, contralateral hemiparesis, and neurodevelopmental abnormalities. VPS39 is involved in endolysosomal trafficking, but evidence for disease association with this variant is limited. No functional data or definitive segregation available. Classified as Variant of Uncertain Significance (ACMG/AMP) (PP4, PM2 not met, no strong supporting evidence).

NM_015289.5(VPS39):c.1648G>T (p.Val550Leu)

Gene: VPS39 (VPS39 subunit of HOPS complex; minus strand). Cytogenetic location: 15q15.1.
Variant type: single nucleotide variant.
Coding change: c.1648G>T on transcript NM_015289.5 (MANE Select); coding-DNA position 1648, G replaced by T.
Protein change: p.Val550Leu; replaces valine 550 with leucine.
Molecular consequence: missense variant.
Genome position (GRCh38, 1-based): chr15:42,166,191, C>A on the plus strand (G>T on the coding strand, the complement: VPS39 is on the minus strand). VCF-style: chr15-42166191-C-A. GRCh37 (hg19) VCF-style: chr15-42458389-C-A.
Other names: c.1681G>T, p.Val561Leu (NM_001301138.3); short protein forms V550L, V561L.
Identifiers: ClinVar variation 4850957 (VCV004850957.1).